The following is an entry in ClinVar:

NM_020166.5(MCCC1):c.1377+6T>G

Gene: MCCC1 (methylcrotonyl-CoA carboxylase subunit 1; minus strand). Cytogenetic location: 3q27.1.
Variant type: single nucleotide variant.
Coding change: c.1377+6T>G on transcript NM_020166.5 (MANE Select); 6 bases into the intron after coding-DNA position 1377, T replaced by G.
Molecular consequence: intron variant.
Genome position (GRCh38, 1-based): chr3:183,039,020, A>C on the plus strand (T>G on the coding strand, the complement: MCCC1 is on the minus strand). VCF-style: chr3-183039020-A-C. GRCh37 (hg19) VCF-style: chr3-182756808-A-C.
Other names: c.1050+6T>G (NM_001363880.1); c.1026+6T>G (NM_001293273.2).
Identifiers: ClinVar variation 1501259 (VCV001501259.3), dbSNP rs1369902442, ClinGen allele CA903588899.

ClinVar aggregate classification (germline): Uncertain significance (1 of 4 stars; one submission).

Conditions:
3-methylcrotonyl-CoA carboxylase 1 deficiency (MCC1D). Also called: MCCD TYPE 1; METHYLCROTONYLGLYCINURIA TYPE I; MCC 1 deficiency; 3 Alpha methylcrotonylglycinuria 1. Identifiers: Orphanet 6, MedGen CN028786, MONDO:0008861, OMIM 210200.

Allele frequency attached by ClinVar (database versions not stated): TOPMed 0.00001.

Submission:

Labcorp Genetics (formerly Invitae), Labcorp
Classification: Uncertain significance for 3-methylcrotonyl-CoA carboxylase 1 deficiency. Last evaluated: 2021-07-21. Review status: criteria provided, single submitter. Criteria: Invitae Variant Classification Sherloc (09022015). Collection method: clinical testing. Allele origin: germline.
Comment: This sequence change falls in intron 12 of the MCCC1 gene. It does not directly change the encoded amino acid sequence of the MCCC1 protein. It affects a nucleotide within the consensus splice site of the intron. This variant is not present in population databases (ExAC no frequency). This variant has not been reported in the literature in individuals with MCCC1-related conditions. Nucleotide substitutions within the consensus splice site are a relatively common cause of aberrant splicing (PMID: 17576681, 9536098). Algorithms developed to predict the effect of sequence changes on RNA splicing suggest that this variant may disrupt the consensus splice site, but this prediction has not been confirmed by published transcriptional studies. In summary, the available evidence is currently insufficient to determine the role of this variant in disease. Therefore, it has been classified as a Variant of Uncertain Significance.

Literature cited by the submitters: PubMed 17576681; PubMed 9536098.